The following is an entry in ClinVar:

NM_025137.4(SPG11):c.668-1G>A

Gene: SPG11 (SPG11 vesicle trafficking associated, spatacsin; minus strand). Cytogenetic location: 15q21.1.
Variant type: single nucleotide variant.
Coding change: c.668-1G>A on transcript NM_025137.4 (MANE Select); the canonical splice acceptor site of the intron before coding-DNA position 668, G replaced by A.
Molecular consequence: splice acceptor variant.
Genome position (GRCh38, 1-based): chr15:44,657,297, C>T on the plus strand (G>A on the coding strand, the complement: SPG11 is on the minus strand). VCF-style: chr15-44657297-C-T. GRCh37 (hg19) VCF-style: chr15-44949495-C-T.
Other names: c.668-1G>A (NM_001411132.1, NM_001160227.2).
Identifiers: ClinVar variation 3688145 (VCV003688145.2).
Genomic context (GRCh38, chr15:44,657,297, plus strand): 5'-CTTTGTGAAGTGCTAAATCCACATGAGCTACATATGTACCATCCACAACATCAAAAATGT[C>T]TTTTAGTTAGAGTTAAAAGAAAATGCCAGTTTTGTAAGTATGCCTAACTATTTAAAGCAC-3'

ClinVar aggregate classification (germline): Likely pathogenic (1 of 4 stars; one submission).

Conditions:
Hereditary spastic paraplegia 11. Also called: Spastic paraplegia, mental retardation and thin corpus callosum; SPASTIC PARAPLEGIA, AUTOSOMAL RECESSIVE, COMPLICATED, WITH THIN CORPUS CALLOSUM; SPASTIC PARAPLEGIA, AUTOSOMAL RECESSIVE, WITH MENTAL IMPAIRMENT AND THIN CORPUS CALLOSUM; Spastic Paraplegia 11; Nakamura Osame syndrome; Autosomal recessive hereditary spastic paraplegia, mental impairment, and thin corpus callosum. Identifiers: Orphanet 2822, MedGen C1858479, MONDO:0011445, OMIM 604360.

Submission:

Labcorp Genetics (formerly Invitae), Labcorp
Classification: Likely pathogenic for Hereditary spastic paraplegia 11. Last evaluated: 2024-03-16. Review status: criteria provided, single submitter. Criteria: Invitae Variant Classification Sherloc (09022015). Collection method: clinical testing. Allele origin: germline.
Comment: This sequence change affects an acceptor splice site in intron 3 of the SPG11 gene. It is expected to disrupt RNA splicing. Variants that disrupt the donor or acceptor splice site typically lead to a loss of protein function (PMID: 16199547), and loss-of-function variants in SPG11 are known to be pathogenic (PMID: 19105190, 20110243, 22154821, 26556829). This variant is not present in population databases (gnomAD no frequency). This variant has not been reported in the literature in individuals affected with SPG11-related conditions. Algorithms developed to predict the effect of sequence changes on RNA splicing suggest that this variant may disrupt the consensus splice site. In summary, the currently available evidence indicates that the variant is pathogenic, but additional data are needed to prove that conclusively. Therefore, this variant has been classified as Likely Pathogenic.

Literature cited by the submitters: PubMed 16199547; PubMed 19105190; PubMed 20110243; PubMed 22154821; PubMed 26556829.